The following is an entry in ClinVar:

ClinVar aggregate classification (germline): Uncertain significance (1 of 4 stars; one submission).

Conditions:
Legius syndrome. Identifiers: Orphanet 137605, MedGen C1969623, MONDO:0012669, OMIM 611431. Disease mechanism: loss of function.

Submission:

Labcorp Genetics (formerly Invitae), Labcorp
Classification: Uncertain significance for Legius syndrome. Last evaluated: 2021-10-23. Review status: criteria provided, single submitter. Criteria: Invitae Variant Classification Sherloc (09022015). Collection method: clinical testing. Allele origin: germline.
Comment: In summary, the available evidence is currently insufficient to determine the role of this variant in disease. Therefore, it has been classified as a Variant of Uncertain Significance. Variants that disrupt the consensus splice site are a relatively common cause of aberrant splicing (PMID: 17576681, 9536098). Algorithms developed to predict the effect of sequence changes on RNA splicing suggest that this variant may disrupt the consensus splice site. Algorithms developed to predict the effect of missense changes on protein structure and function (SIFT, PolyPhen-2, Align-GVGD) all suggest that this variant is likely to be disruptive. This variant has not been reported in the literature in individuals affected with SPRED1-related conditions. This variant is not present in population databases (ExAC no frequency). This sequence change replaces glycine with arginine at codon 126 of the SPRED1 protein (p.Gly126Arg). The glycine residue is highly conserved and there is a moderate physicochemical difference between glycine and arginine. This variant also falls at the last nucleotide of exon 3, which is part of the consensus splice site for this exon.

Literature cited by the submitters: PubMed 17576681; PubMed 9536098.

NM_152594.3(SPRED1):c.376G>C (p.Gly126Arg)

Gene: SPRED1 (sprouty related EVH1 domain containing 1; plus strand). Cytogenetic location: 15q14.
Variant type: single nucleotide variant.
Coding change: c.376G>C on transcript NM_152594.3 (MANE Select); coding-DNA position 376, G replaced by C.
Protein change: p.Gly126Arg; replaces glycine 126 with arginine.
Molecular consequence: missense variant.
Genome position (GRCh38, 1-based): chr15:38,322,409, G>C. VCF-style: chr15-38322409-G-C. GRCh37 (hg19) VCF-style: chr15-38614610-G-C.
Other names: short protein forms G126R.
Identifiers: ClinVar variation 1346703 (VCV001346703.6), dbSNP rs2140994953, ClinGen allele CA391932265.